The following is an entry in ClinVar:

ClinVar aggregate classification (germline): Pathogenic. Review status: criteria provided, multiple submitters, no conflicts (2 of 4 stars). 4 submissions from 4 submitters: Pathogenic (4). Last evaluated 2025-10-30.

Conditions:
Hereditary cancer-predisposing syndrome. Also called: Neoplastic Syndromes, Hereditary; Hereditary neoplastic syndrome; Tumor predisposition; Hereditary Cancer Syndrome. Identifiers: Orphanet 140162, MedGen C0027672, MeSH D009386, MONDO:0015356.
Cardiovascular phenotype. Identifiers: MedGen CN230736.
Neurofibromatosis, type 1 (NF1). Also called: Neurofibromatosis, type I; NEUROFIBROMATOSIS, TYPE I, SOMATIC; VON RECKLINGHAUSEN DISEASE; Peripheral type neurofibromatosis. Identifiers: Orphanet 636, MedGen C0027831, MONDO:0018975, OMIM 162200. Disease mechanism: loss of function.

Submissions (4):

Ambry Genetics
Classification: Pathogenic for Cardiovascular phenotype; Hereditary cancer-predisposing syndrome. Last evaluated: 2025-10-30. Review status: criteria provided, single submitter. Criteria: Ambry Variant Classification Scheme 2023. Collection method: clinical testing. Allele origin: germline.
Comment: The c.4381dupA variant, located in coding exon 33 of the NF1 gene, results from a duplication of A at nucleotide position 4381, causing a translational frameshift with a predicted alternate stop codon (p.I1461Nfs*4). This variant was reported in individual(s) with features consistent with Neurofibromatosis type 1 (Pasmant E et al. Eur J Hum Genet, 2015 May;23:596-601; Napolitano F et al. Genes (Basel), 2022 Jun;13; Ho SK et al. Eur J Med Genet, 2022 Apr;65:104474). This variant is considered to be rare based on population cohorts in the Genome Aggregation Database (gnomAD). This alteration is expected to result in loss of function by premature protein truncation or nonsense-mediated mRNA decay. As such, this alteration is interpreted as a disease-causing mutation.

Labcorp Genetics (formerly Invitae), Labcorp
Classification: Pathogenic for Neurofibromatosis, type 1. Last evaluated: 2025-04-11. Review status: criteria provided, single submitter. Criteria: Invitae Variant Classification Sherloc (09022015). Collection method: clinical testing. Allele origin: germline.
Comment: This sequence change creates a premature translational stop signal (p.Ile1461Asnfs*4) in the NF1 gene. It is expected to result in an absent or disrupted protein product. Loss-of-function variants in NF1 are known to be pathogenic (PMID: 10712197, 23913538). This variant is not present in population databases (gnomAD no frequency). This premature translational stop signal has been observed in individual(s) with neurofibromatosis type I (PMID: 25074460). ClinVar contains an entry for this variant (Variation ID: 1675232). For these reasons, this variant has been classified as Pathogenic.

Institute for Genomic Medicine (IGM) Clinical Laboratory, Nationwide Children's Hospital
Classification: Pathogenic for Neurofibromatosis, type 1. Last evaluated: 2022-04-27. Review status: criteria provided, single submitter. Criteria: ACMG Guidelines, 2015. Collection method: clinical testing. Allele origin: germline.
Comment: This variant is predicted to result in loss of function through nonsense-mediated decay of the encoded transcript or premature truncation of the encoded protein in a gene in which loss of function is a known mechanism of disease (ACMG/AMP: PVS1; PMID:17426081). This variant has been reported at an elevated frequency in affected individuals/in multiple affected individuals in the literature (ACMG/AMP: PS4_Supporting; PMID:25074460). This variant is absent from or present at an exceedingly low frequency in gnomAD, a large-scale control population database (ACMG/AMP: PM2).

GeneDx
Classification: Pathogenic. Last evaluated: 2022-03-28. Review status: criteria provided, single submitter. Criteria: GeneDx Variant Classification Process June 2021. Collection method: clinical testing. Allele origin: germline. Affected: yes.
Comment: Frameshift variant predicted to result in protein truncation or nonsense mediated decay in a gene for which loss-of-function is a known mechanism of disease; Not observed in large population cohorts (gnomAD); This variant is associated with the following publications: (PMID: 25074460)

Literature cited by the submitters: PubMed 25074460 (cited by 3 submitters); PubMed 35240321 (cited by Ambry Genetics); PubMed 35885913 (cited by Ambry Genetics); PubMed 10712197 (cited by Labcorp Genetics (formerly Invitae), Labcorp); PubMed 23913538 (cited by Labcorp Genetics (formerly Invitae), Labcorp); PubMed 17426081 (cited by Institute for Genomic Medicine (IGM) Clinical Laboratory, Nationwide Children's Hospital).

NM_001042492.3(NF1):c.4444dup (p.Ile1482fs)

Gene: NF1 (neurofibromin 1; plus strand). Cytogenetic location: 17q11.2.
Variant type: Duplication.
Coding change: c.4444dup on transcript NM_001042492.3 (MANE Select); coding-DNA position 4444, one base duplicated (A; older notation c.4444dupA).
Protein change: p.Ile1482fs; shifts the reading frame from isoleucine 1482.
Molecular consequence: frameshift variant.
Genome position (GRCh38, 1-based): chr17:31,260,382, A duplicated. VCF-style (leftmost placement, unchanged base first): chr17-31260381-T-TA. GRCh37 (hg19) VCF-style: chr17-29587399-T-TA.
Other names: c.4381dup, p.Ile1461Asnfs (NM_000267.4); c.4381dupA (NM_000267.3); short protein forms I1461fs, I1482fs.
Identifiers: ClinVar variation 1675232 (VCV001675232.8), dbSNP rs2151464529, ClinGen allele CA2573153642.